The following is an entry in ClinVar:

ClinVar aggregate classification (germline): Likely pathogenic (1 of 4 stars; one submission).

Conditions:
Bartter disease type 3. Also called: Bartter syndrome type 3. Identifiers: Orphanet 112, Orphanet 93605, MedGen C1846343, MONDO:0011822, OMIM 607364.

Submission:

Laboratorio de Genética Hospitales Universitarios Virgen de las Nieves y Clínico San Cecilio (Granada, Spain), Hospitales Universitarios Virgen de las Nieves y Clínico San Cecilio (Granada, Spain)
Classification: Likely pathogenic for Bartter disease type 3. Last evaluated: 2023-08-25. Review status: criteria provided, single submitter. Criteria: ACMG Guidelines, 2015. Collection method: clinical testing. Allele origin: germline. Inheritance: Autosomal recessive inheritance. Affected: yes. Observed: 1 variant allele.
Comment: The nucleotide variant c.1026del, is found in homozygosis in exon 11/20 of the NM_000085.5 transcript of the CLCNKB gene. The protein level change p.Ser343AlafsTer6 is in a conserved region. This variant is described in HGMD as DM associated with "Bartter syndrome 3". It is not described in the NCBI ClinVar database. No population frequency values were found in the following databases: Gnomad, 1000 Genomes. With the available information we classify this change as a likely pathogenic variant.

Literature cited by the submitters: DOI 10.1371/journal.pone.0173581.

NM_000085.5(CLCNKB):c.1026del (p.Ser343fs)

Genes: CLCNKB (chloride voltage-gated channel Kb; plus strand), LOC106501713 (CLCNKB recombination region; plus strand). Cytogenetic location: 1p36.13.
Variant type: Deletion.
Coding change: c.1026del on transcript NM_000085.5 (MANE Select); coding-DNA position 1026, one base deleted (C; older notation c.1026delC).
Protein change: p.Ser343fs; shifts the reading frame from serine 343.
Molecular consequence: frameshift variant.
Genome position (GRCh38, 1-based): chr1:16,050,573, C deleted; the last of 3 consecutive C bases (chr1:16,050,571-16,050,573); deleting any one gives the same sequence. VCF-style (leftmost placement, unchanged base first): chr1-16050570-AC-A. GRCh37 (hg19) VCF-style: chr1-16377065-AC-A.
Other names: c.519del, p.Ser174fs (NM_001165945.2); short protein forms S174fs, S343fs.
Identifiers: ClinVar variation 2577018 (VCV002577018.1), dbSNP rs2524386003, ClinGen allele CA2580612919.